The following is an entry in ClinVar:

ClinVar aggregate classification (germline): Uncertain significance. Review status: criteria provided, multiple submitters, no conflicts (2 of 4 stars). 4 submissions from 4 submitters: Uncertain significance (3). 1 of the submissions does not count toward it. Last evaluated 2022-05-25.

Conditions:
Bartter syndrome. Identifiers: Orphanet 112, MedGen C0004775, MONDO:0015231.
Bartter disease type 4A. Also called: BARTTER SYNDROME, TYPE 4A, NEONATAL, WITH SENSORINEURAL DEAFNESS; BARTTER SYNDROME, NEONATAL, WITH SENSORINEURAL DEAFNESS. Identifiers: Orphanet 112, MedGen C1865270, MONDO:0011242, OMIM 602522.

Allele frequency attached by ClinVar (database versions not stated): gnomAD exomes 0.00004; ExAC 0.00005; gnomAD 0.00012 and 0.00013; TOPMed 0.00014; 1000 Genomes Project 30x 0.00031; ESP Exome Variant Server 0.00031; 1000 Genomes Project 0.00040.
gnomAD v4.1: 33 of 1,614,214 alleles (0.002%); highest among the groups gnomAD compares: African/African-American, 0.037%; no homozygotes.

Submissions (4):

Labcorp Genetics (formerly Invitae), Labcorp
Classification: Uncertain significance. Last evaluated: 2022-05-25. Review status: criteria provided, single submitter. Criteria: Invitae Variant Classification Sherloc (09022015). Collection method: clinical testing. Allele origin: germline.
Comment: This sequence change replaces glutamic acid, which is acidic and polar, with glycine, which is neutral and non-polar, at codon 291 of the BSND protein (p.Glu291Gly). This variant is present in population databases (rs146313023, gnomAD 0.07%). This variant has not been reported in the literature in individuals affected with BSND-related conditions. ClinVar contains an entry for this variant (Variation ID: 162807). Algorithms developed to predict the effect of missense changes on protein structure and function are either unavailable or do not agree on the potential impact of this missense change (SIFT: "Deleterious"; PolyPhen-2: "Possibly Damaging"; Align-GVGD: "Class C15"). In summary, the available evidence is currently insufficient to determine the role of this variant in disease. Therefore, it has been classified as a Variant of Uncertain Significance.

Fulgent Genetics
Classification: Uncertain significance for Bartter disease type 4A. Last evaluated: 2021-09-27. Review status: criteria provided, single submitter. Criteria: ACMG Guidelines, 2015. Collection method: clinical testing. Allele origin: unknown.

Laboratory for Molecular Medicine, Mass General Brigham Personalized Medicine
Classification: Uncertain significance. Last evaluated: 2013-06-25. Review status: criteria provided, single submitter. Criteria: LMM Criteria. Collection method: clinical testing. Allele origin: germline. Observed: 1 variant allele.
Comment: The Glu291Gly variant in BSND has not been reported in individuals with hearing loss, but has been seen in 0.09% (4/4406) of African American chromosomes from a broad population by the NHLBI Exome Sequencing Project (n.edu/EVS/; dbSNP rs146313023). Although this variant has been seen in the gene ral population, its frequency is not high enough to rule out a pathogenic role. Computational analyses (biochemical amino acid properties, conservation, AlignG VGD, PolyPhen2, and SIFT) do not provide strong support for or against an impact to the protein. In summary, additional information is needed to fully assess th e clinical significance of the Glu291Gly variant.

Natera, Inc.
Classification: Uncertain significance for Bartter syndrome. Last evaluated: 2019-10-28. Review status: no assertion criteria provided. Collection method: clinical testing. Allele origin: germline. Not counted in ClinVar's aggregate classification.

NM_057176.3(BSND):c.872A>G (p.Glu291Gly)

Gene: BSND (barttin CLCNK type accessory subunit beta; plus strand). Cytogenetic location: 1p32.3.
Variant type: single nucleotide variant.
Coding change: c.872A>G on transcript NM_057176.3 (MANE Select); coding-DNA position 872, A replaced by G.
Protein change: p.Glu291Gly; replaces glutamic acid 291 with glycine.
Molecular consequence: missense variant.
Genome position (GRCh38, 1-based): chr1:55,008,537, A>G. VCF-style: chr1-55008537-A-G. GRCh37 (hg19) VCF-style: chr1-55474210-A-G.
Other names: short protein forms E291G.
Identifiers: ClinVar variation 162807 (VCV000162807.8), dbSNP rs146313023, ClinGen allele CA175350.